The following is an entry in ClinVar:

ClinVar aggregate classification (germline): Uncertain significance (1 of 4 stars; one submission).

Conditions:
Inborn genetic diseases. Identifiers: MedGen C0950123, MeSH D030342.

Submission:

Ambry Genetics
Classification: Uncertain significance for Inborn genetic diseases. Last evaluated: 2023-11-19. Review status: criteria provided, single submitter. Criteria: Ambry Variant Classification Scheme 2023. Collection method: clinical testing. Allele origin: germline.
Comment: The p.G92V variant (also known as c.275G>T), located in coding exon 4 of the BUB1B gene, results from a G to T substitution at nucleotide position 275. The glycine at codon 92 is replaced by valine, an amino acid with dissimilar properties. This amino acid position is conserved. In addition, this alteration is predicted to be deleterious by in silico analysis. Since supporting evidence is limited at this time, the clinical significance of this alteration remains unclear.

NM_001211.6(BUB1B):c.275G>T (p.Gly92Val)

Gene: BUB1B (BUB1 mitotic checkpoint serine/threonine kinase B; plus strand). Cytogenetic location: 15q15.1.
Variant type: single nucleotide variant.
Coding change: c.275G>T on transcript NM_001211.6 (MANE Select); coding-DNA position 275, G replaced by T.
Protein change: p.Gly92Val; replaces glycine 92 with valine.
Molecular consequence: missense variant.
Genome position (GRCh38, 1-based): chr15:40,170,572, G>T. VCF-style: chr15-40170572-G-T. GRCh37 (hg19) VCF-style: chr15-40462773-G-T.
Other names: short protein forms G92V.
Identifiers: ClinVar variation 1795672 (VCV001795672.2), dbSNP rs1595511034, ClinGen allele CA391679004.